The following is an entry in ClinVar:

ClinVar aggregate classification (germline): Uncertain significance (1 of 4 stars; one submission).

Conditions:
Inborn genetic diseases. Identifiers: MedGen C0950123, MeSH D030342.

gnomAD v4.1: 1 of 1,577,378 alleles (0.000063%); highest among the groups gnomAD compares: Non-Finnish European, 0.000086%; no homozygotes.

Submission:

Ambry Genetics
Classification: Uncertain significance for Inborn genetic diseases. Last evaluated: 2026-02-22. Review status: criteria provided, single submitter. Criteria: Ambry Variant Classification Scheme 2023. Collection method: clinical testing. Allele origin: germline.
Comment: The p.S1205A variant (also known as c.3613T>G), located in coding exon 33 of the RTEL1 gene, results from a T to G substitution at nucleotide position 3613. The serine at codon 1205 is replaced by alanine, an amino acid with similar properties. This amino acid position is conserved. In addition, this alteration is predicted to be tolerated by in silico analysis. Based on the available evidence, the clinical significance of this variant remains unclear.

NM_001283009.2(RTEL1):c.3613T>G (p.Ser1205Ala)

Genes: RTEL1 (regulator of telomere elongation helicase 1; plus strand), RTEL1-TNFRSF6B (RTEL1-TNFRSF6B readthrough (NMD candidate); plus strand). Cytogenetic location: 20q13.33.
Variant type: single nucleotide variant.
Coding change: c.3613T>G on transcript NM_001283009.2 (MANE Select); coding-DNA position 3613, T replaced by G.
Protein change: p.Ser1205Ala; replaces serine 1205 with alanine.
Molecular consequence: missense variant. On other transcripts: non-coding transcript variant (1).
Genome position (GRCh38, 1-based): chr20:63,695,441, T>G. VCF-style: chr20-63695441-T-G. GRCh37 (hg19) VCF-style: chr20-62326794-T-G.
Other names: c.2944T>G, p.Ser982Ala (NM_001283010.1); c.3613T>G, p.Ser1205Ala (NM_016434.4); c.3685T>G, p.Ser1229Ala (NM_032957.5); short protein forms S1229A, S982A, S1205A.
Identifiers: ClinVar variation 4825691 (VCV004825691.1).
Genomic context (GRCh38, chr20:63,695,441, plus strand): 5'-CTTAGACAGAGGCCAGCAGGGACTGTGGGGGCGGGCGGTGAGGATGCAGGTCCCAGCCAG[T>G]CCTCAGGACCTCCCCACGGGCCTGCAGCATCTGAGTGGGGTGAGCCTCATGGGAGAGACA-3'
Protein context (NP_001269938.1, residues 1195-1215): AGGEDAGPSQ[Ser1205Ala]SGPPHGPAAS